The following is an entry in ClinVar:

NM_004638.4(PRRC2A):c.391-6C>A

Gene: PRRC2A (proline rich coiled-coil 2A; plus strand). Cytogenetic location: 6p21.33.
Variant type: single nucleotide variant.
Coding change: c.391-6C>A on transcript NM_004638.4 (MANE Select); 6 bases into the intron before coding-DNA position 391, C replaced by A.
Molecular consequence: intron variant.
Genome position (GRCh38, 1-based): chr6:31,624,444, C>A. VCF-style: chr6-31624444-C-A. GRCh37 (hg19) VCF-style: chr6-31592221-C-A.
Other names: c.391-6C>A (NM_080686.3).
Identifiers: ClinVar variation 3038722 (VCV003038722.2), dbSNP rs375620542, ClinGen allele CA3715041.

ClinVar aggregate classification (germline): Likely benign (0 of 4 stars; one submission).

Conditions:
PRRC2A-related disorder. Also called: PRRC2A-related condition.

Allele frequency attached by ClinVar (database versions not stated): TOPMed below 0.00001; ExAC 0.00001; gnomAD exomes 0.00001.
gnomAD v4.1: 14 of 1,612,988 alleles (0.00087%); highest among the groups gnomAD compares: East Asian, 0.0067%; no homozygotes.

Submission:

PreventionGenetics, part of Exact Sciences
Classification: Likely benign for PRRC2A-related condition. Last evaluated: 2019-05-23. Review status: no assertion criteria provided. Collection method: clinical testing. Allele origin: germline.
Comment: This variant is classified as likely benign based on ACMG/AMP sequence variant interpretation guidelines (Richards et al. 2015 PMID: 25741868, with internal and published modifications).